The following is an entry in ClinVar:

ClinVar aggregate classification (germline): Likely benign (1 of 4 stars; one submission).

Allele frequency attached by ClinVar (database versions not stated): gnomAD exomes 0.00308; TOPMed 0.00591; gnomAD 0.00642; 1000 Genomes Project 30x 0.01858; 1000 Genomes Project 0.02057.
gnomAD v4.1: 5,053 of 1,451,448 alleles (0.35%); highest among the groups gnomAD compares: East Asian, 8.2%; 167 homozygotes.

Submission:

GeneDx
Classification: Likely benign. Last evaluated: 2019-06-15. Review status: criteria provided, single submitter. Criteria: GeneDx Variant Classification Process June 2021. Collection method: clinical testing. Allele origin: germline. Affected: yes.
Comment: See Variant Classification Assertion Criteria.

NM_005228.5(EGFR):c.1881-409G>A

Gene: EGFR (epidermal growth factor receptor; plus strand). Cytogenetic location: 7p11.2.
Variant type: single nucleotide variant.
Coding change: c.1881-409G>A on transcript NM_005228.5 (MANE Select); 409 bases into the intron before coding-DNA position 1881, G replaced by A.
Molecular consequence: intron variant. On other transcripts: 3 prime UTR variant (1).
Genome position (GRCh38, 1-based): chr7:55,170,766, G>A. VCF-style: chr7-55170766-G-A. GRCh37 (hg19) VCF-style: chr7-55238459-G-A.
Other names: c.*222G>A (NM_201284.2); c.1746-409G>A (NM_001346899.2, NM_001346897.2); c.1080-409G>A (NM_001346941.2); c.1881-409G>A (NM_001346898.2); c.1722-409G>A (NM_001346900.2).
Identifiers: ClinVar variation 1804478 (VCV001804478.1), dbSNP rs75529744, ClinGen allele CA158929256.